The following is an entry in ClinVar:

NM_138370.3(PKDCC):c.808C>A (p.Pro270Thr)

Gene: PKDCC (protein kinase domain containing, cytoplasmic; plus strand). Cytogenetic location: 2p21.
Variant type: single nucleotide variant.
Coding change: c.808C>A on transcript NM_138370.3 (MANE Select); coding-DNA position 808, C replaced by A.
Protein change: p.Pro270Thr; replaces proline 270 with threonine.
Molecular consequence: missense variant.
Genome position (GRCh38, 1-based): chr2:42,054,081, C>A. VCF-style: chr2-42054081-C-A. GRCh37 (hg19) VCF-style: chr2-42281221-C-A.
Other names: short protein forms P270T.
Identifiers: ClinVar variation 2206271 (VCV002206271.6), dbSNP rs144539581, ClinGen allele CA1628028.

ClinVar aggregate classification (germline): Uncertain significance. Review status: criteria provided, multiple submitters, no conflicts (2 of 4 stars). 2 submissions from 2 submitters: Uncertain significance (2). Last evaluated 2025-04-15.

Conditions:
Inborn genetic diseases. Identifiers: MedGen C0950123, MeSH D030342.

Allele frequency attached by ClinVar (database versions not stated): ExAC 0.00003; gnomAD 0.00003; TOPMed 0.00003; ESP Exome Variant Server 0.00008.
gnomAD v4.1: 110 of 1,612,356 alleles (0.0068%); highest among the groups gnomAD compares: Non-Finnish European, 0.0086%; no homozygotes.

Submissions (2):

Ambry Genetics
Classification: Uncertain significance for Inborn genetic diseases. Last evaluated: 2025-04-15. Review status: criteria provided, single submitter. Criteria: Ambry Variant Classification Scheme 2023. Collection method: clinical testing. Allele origin: germline.

Labcorp Genetics (formerly Invitae), Labcorp
Classification: Uncertain significance. Last evaluated: 2024-01-12. Review status: criteria provided, single submitter. Criteria: Invitae Variant Classification Sherloc (09022015). Collection method: clinical testing. Allele origin: germline.
Comment: This sequence change replaces proline, which is neutral and non-polar, with threonine, which is neutral and polar, at codon 270 of the PKDCC protein (p.Pro270Thr). This variant is present in population databases (rs144539581, gnomAD 0.008%). This variant has not been reported in the literature in individuals affected with PKDCC-related conditions. ClinVar contains an entry for this variant (Variation ID: 2206271). An algorithm developed to predict the effect of missense changes on protein structure and function (PolyPhen-2) suggests that this variant is likely to be disruptive. In summary, the available evidence is currently insufficient to determine the role of this variant in disease. Therefore, it has been classified as a Variant of Uncertain Significance.